The following is an entry in ClinVar:

NM_001289808.2(CRYAB):c.324+3A>G

Gene: CRYAB (crystallin alpha B; minus strand). Cytogenetic location: 11q23.1.
Variant type: single nucleotide variant.
Coding change: c.324+3A>G on transcript NM_001289808.2 (MANE Select); 3 bases into the intron after coding-DNA position 324, A replaced by G.
Molecular consequence: intron variant.
Genome position (GRCh38, 1-based): chr11:111,910,324, T>C on the plus strand (A>G on the coding strand, the complement: CRYAB is on the minus strand). VCF-style: chr11-111910324-T-C. GRCh37 (hg19) VCF-style: chr11-111781048-T-C.
Other names: c.324+3A>G (NM_001368245.1, NM_001885.3, NM_001289807.1); c.123+3A>G (NM_001368246.1, NM_001330379.1).
Identifiers: ClinVar variation 380736 (VCV000380736.9), dbSNP rs1057520897, ClinGen allele CA16606232.

ClinVar aggregate classification (germline): Conflicting classifications of pathogenicity. Review status: criteria provided, conflicting classifications (1 of 4 stars). 4 submissions from 4 submitters: Uncertain significance (3); Likely benign (1). Last evaluated 2026-01-06.

Conditions:
Dilated cardiomyopathy 1II (CMD1II). Identifiers: Orphanet 154, MedGen C3554649, MONDO:0014073, OMIM 615184.
Cardiovascular phenotype. Identifiers: MedGen CN230736.

Allele frequency attached by ClinVar (database versions not stated): gnomAD exomes below 0.00001; gnomAD 0.00001; TOPMed 0.00003.
gnomAD v4.1: 9 of 1,614,078 alleles (0.00056%); highest among the groups gnomAD compares: Non-Finnish European, 0.00076%; no homozygotes.

Submissions (4):

Labcorp Genetics (formerly Invitae), Labcorp
Classification: Uncertain significance for Dilated cardiomyopathy 1II. Last evaluated: 2026-01-06. Review status: criteria provided, single submitter. Criteria: Invitae Variant Classification Sherloc (09022015). Collection method: clinical testing. Allele origin: germline.
Comment: This sequence change falls in intron 3 of the CRYAB gene. It does not directly change the encoded amino acid sequence of the CRYAB protein. It affects a nucleotide within the consensus splice site. This variant is not present in population databases (gnomAD no frequency). This variant has not been reported in the literature in individuals affected with CRYAB-related conditions. ClinVar contains an entry for this variant (Variation ID: 380736). Variants that disrupt the consensus splice site are a relatively common cause of aberrant splicing (PMID: 17576681, 9536098). Algorithms developed to predict the effect of sequence changes on RNA splicing suggest that this variant is not likely to affect RNA splicing. In summary, the available evidence is currently insufficient to determine the role of this variant in disease. Therefore, it has been classified as a Variant of Uncertain Significance.

Women's Health and Genetics/Laboratory Corporation of America, LabCorp
Classification: Uncertain significance. Last evaluated: 2025-06-12. Review status: criteria provided, single submitter. Criteria: LabCorp Variant Classification Summary - May 2015. Collection method: clinical testing. Allele origin: germline.

Ambry Genetics
Classification: Uncertain significance for Cardiovascular phenotype. Last evaluated: 2023-07-24. Review status: criteria provided, single submitter. Criteria: Ambry Variant Classification Scheme 2023. Collection method: clinical testing. Allele origin: germline.
Comment: The c.324+3A>G intronic variant results from an A to G substitution 3 nucleotides after coding exon 2 in the CRYAB gene. This nucleotide position is not well conserved in available vertebrate species. In silico splice site analysis predicts that this alteration will not have any significant effect on splicing. Since supporting evidence is limited at this time, the clinical significance of this alteration remains unclear.

GeneDx
Classification: Likely benign. Last evaluated: 2015-10-27. Review status: criteria provided, single submitter. Criteria: GeneDx Variant Classification (06012015). Collection method: clinical testing. Allele origin: germline. Affected: yes.
Comment: This variant is considered likely benign or benign based on one or more of the following criteria: it is a conservative change, it occurs at a poorly conserved position in the protein, it is predicted to be benign by multiple in silico algorithms, and/or has population frequency not consistent with disease.

Literature cited by the submitters: PubMed 17576681 (cited by Labcorp Genetics (formerly Invitae), Labcorp); PubMed 9536098 (cited by Labcorp Genetics (formerly Invitae), Labcorp).